The following is an entry in ClinVar:

ClinVar aggregate classification (germline): Uncertain significance (1 of 4 stars; one submission).

Conditions:
Cornelia de Lange syndrome 4 (CDLS4). Also called: RAD21-Related Cornelia de Lange Syndrome; CORNELIA DE LANGE SYNDROME 4 WITH OR WITHOUT MIDLINE BRAIN DEFECTS. Identifiers: Orphanet 199, MedGen C3553517, MONDO:0013864, OMIM 614701.

gnomAD v4.1: 1 of 1,613,914 alleles (0.000062%); highest among the groups gnomAD compares: Admixed American, 0.0017%; no homozygotes.

Submission:

Labcorp Genetics (formerly Invitae), Labcorp
Classification: Uncertain significance for Cornelia de Lange syndrome 4. Last evaluated: 2025-10-01. Review status: criteria provided, single submitter. Criteria: Invitae Variant Classification Sherloc (09022015). Collection method: clinical testing. Allele origin: germline.
Comment: This sequence change replaces threonine, which is neutral and polar, with alanine, which is neutral and non-polar, at codon 350 of the RAD21 protein (p.Thr350Ala). This variant is present in population databases (rs755883894, gnomAD 0.003%). This variant has not been reported in the literature in individuals affected with RAD21-related conditions. ClinVar contains an entry for this variant (Variation ID: 3605648). Invitae Evidence Modeling of protein sequence and biophysical properties (such as structural, functional, and spatial information, amino acid conservation, physicochemical variation, residue mobility, and thermodynamic stability) has been performed for this missense variant. However, the output from this modeling did not meet the statistical confidence thresholds required to predict the impact of this variant on RAD21 protein function. In summary, the available evidence is currently insufficient to determine the role of this variant in disease. Therefore, it has been classified as a Variant of Uncertain Significance.

NM_006265.3(RAD21):c.1048A>G (p.Thr350Ala)

Gene: RAD21 (RAD21 cohesin complex component; minus strand). Cytogenetic location: 8q24.11.
Variant type: single nucleotide variant.
Coding change: c.1048A>G on transcript NM_006265.3 (MANE Select); coding-DNA position 1048, A replaced by G.
Protein change: p.Thr350Ala; replaces threonine 350 with alanine.
Molecular consequence: missense variant.
Genome position (GRCh38, 1-based): chr8:116,854,358, T>C on the plus strand (A>G on the coding strand, the complement: RAD21 is on the minus strand). VCF-style: chr8-116854358-T-C. GRCh37 (hg19) VCF-style: chr8-117866597-T-C.
Other names: short protein forms T350A.
Identifiers: ClinVar variation 3605648 (VCV003605648.2).